The following is an entry in ClinVar:

ClinVar aggregate classification (germline): Uncertain significance (1 of 4 stars; one submission).

Conditions:
Hereditary cancer-predisposing syndrome. Also called: Neoplastic Syndromes, Hereditary; Tumor predisposition; Hereditary neoplastic syndrome; Hereditary Cancer Syndrome. Identifiers: Orphanet 140162, MedGen C0027672, MeSH D009386, MONDO:0015356.

gnomAD v4.1: 1 of 1,613,818 alleles (0.000062%); highest among the groups gnomAD compares: Non-Finnish European, 0.000085%; no homozygotes.

Submission:

Ambry Genetics
Classification: Uncertain significance for Hereditary cancer-predisposing syndrome. Last evaluated: 2024-04-15. Review status: criteria provided, single submitter. Criteria: Ambry Variant Classification Scheme 2023. Collection method: clinical testing. Allele origin: germline.
Comment: The p.V146D variant (also known as c.437T>A), located in coding exon 4 of the RAD50 gene, results from a T to A substitution at nucleotide position 437. The valine at codon 146 is replaced by aspartic acid, an amino acid with highly dissimilar properties. This amino acid position is conserved. In addition, this alteration is predicted to be deleterious by in silico analysis. Based on the available evidence, the clinical significance of this variant remains unclear.

NM_005732.4(RAD50):c.437T>A (p.Val146Asp)

Gene: RAD50 (RAD50 double strand break repair protein; plus strand). Cytogenetic location: 5q31.1.
Variant type: single nucleotide variant.
Coding change: c.437T>A on transcript NM_005732.4 (MANE Select); coding-DNA position 437, T replaced by A.
Protein change: p.Val146Asp; replaces valine 146 with aspartic acid.
Molecular consequence: missense variant.
Genome position (GRCh38, 1-based): chr5:132,579,388, T>A. VCF-style: chr5-132579388-T-A. GRCh37 (hg19) VCF-style: chr5-131915080-T-A.
Other names: short protein forms V146D.
Identifiers: ClinVar variation 3312313 (VCV003312313.1).